The following is an entry in ClinVar:

NM_005477.3(HCN4):c.3017T>C (p.Leu1006Pro)

Gene: HCN4 (hyperpolarization activated cyclic nucleotide gated potassium channel 4; minus strand). Cytogenetic location: 15q24.1.
Variant type: single nucleotide variant.
Coding change: c.3017T>C on transcript NM_005477.3 (MANE Select); coding-DNA position 3017, T replaced by C.
Protein change: p.Leu1006Pro; replaces leucine 1006 with proline.
Molecular consequence: missense variant.
Genome position (GRCh38, 1-based): chr15:73,323,076, A>G on the plus strand (T>C on the coding strand, the complement: HCN4 is on the minus strand). VCF-style: chr15-73323076-A-G. GRCh37 (hg19) VCF-style: chr15-73615417-A-G.
Other names: c.3017T>C (NM_005477.2); short protein forms L1006P.
Identifiers: ClinVar variation 1414408 (VCV001414408.7), dbSNP rs1351588410, ClinGen allele CA393086436.
Genomic context (GRCh38, chr15:73,323,076, plus strand): 5'-CTGAGACCTCCTCGGGGAGTAAAGCCTACAGGGGAAGCCCCCCCAGAGGCCCCTGCCACA[A>G]GGGACGGCGGCTCAGGCTGCCGTGGGGGTGTCTCTGGCGTGCTCAGTGGGCCAGTGGCCA-3'
Protein context (NP_005468.1, residues 996-1016): TPPRQPEPPS[Leu1006Pro]VAGASGGASP

ClinVar aggregate classification (germline): Uncertain significance. Review status: criteria provided, multiple submitters, no conflicts (2 of 4 stars). 2 submissions from 2 submitters: Uncertain significance (2). Last evaluated 2025-06-09.

Conditions:
Cardiovascular phenotype. Identifiers: MedGen CN230736.
Brugada syndrome 8 (BRGDA8). Identifiers: Orphanet 130, MedGen C2751083, MONDO:0013148, OMIM 613123.

Submissions (2):

Ambry Genetics
Classification: Uncertain significance for Cardiovascular phenotype. Last evaluated: 2025-06-09. Review status: criteria provided, single submitter. Criteria: Ambry Variant Classification Scheme 2023. Collection method: clinical testing. Allele origin: germline.

Labcorp Genetics (formerly Invitae), Labcorp
Classification: Uncertain significance for Brugada syndrome 8. Last evaluated: 2022-05-12. Review status: criteria provided, single submitter. Criteria: Invitae Variant Classification Sherloc (09022015). Collection method: clinical testing. Allele origin: germline.
Comment: Advanced modeling of protein sequence and biophysical properties (such as structural, functional, and spatial information, amino acid conservation, physicochemical variation, residue mobility, and thermodynamic stability) performed at Invitae indicates that this missense variant is not expected to disrupt HCN4 protein function. This variant has not been reported in the literature in individuals affected with HCN4-related conditions. This variant is not present in population databases (gnomAD no frequency). This sequence change replaces leucine, which is neutral and non-polar, with proline, which is neutral and non-polar, at codon 1006 of the HCN4 protein (p.Leu1006Pro). In summary, the available evidence is currently insufficient to determine the role of this variant in disease. Therefore, it has been classified as a Variant of Uncertain Significance.